The following is an entry in ClinVar:

ClinVar aggregate classification (germline): Uncertain significance (1 of 4 stars; one submission).

Conditions:
RPGRIP1L-related disorder. Also called: RPGRIP1L-related disorders; RPGRIP1L-related condition. Identifiers: MedGen CN239416.

gnomAD v4.1: 2 of 1,613,936 alleles (0.00012%); highest among the groups gnomAD compares: Non-Finnish European, 0.00017%; no homozygotes.

Submission:

PreventionGenetics, part of Exact Sciences
Classification: Uncertain significance for RPGRIP1L-related condition. Last evaluated: 2024-11-07. Review status: criteria provided, single submitter. Criteria: ACMG Guidelines, 2015. Collection method: clinical testing. Allele origin: germline.
Comment: The RPGRIP1L c.2321C>T variant is predicted to result in the amino acid substitution p.Pro774Leu. To our knowledge, this variant has not been reported in the literature or in a large population database (gnomAD), indicating this variant is rare. At this time, the clinical significance of this variant is uncertain due to the absence of conclusive functional and genetic evidence.

NM_015272.5(RPGRIP1L):c.2321C>T (p.Pro774Leu)

Gene: RPGRIP1L (RPGRIP1 like; minus strand). Cytogenetic location: 16q12.2.
Variant type: single nucleotide variant.
Coding change: c.2321C>T on transcript NM_015272.5 (MANE Select); coding-DNA position 2321, C replaced by T.
Protein change: p.Pro774Leu; replaces proline 774 with leucine.
Molecular consequence: missense variant.
Genome position (GRCh38, 1-based): chr16:53,645,987, G>A on the plus strand (C>T on the coding strand, the complement: RPGRIP1L is on the minus strand). VCF-style: chr16-53645987-G-A. GRCh37 (hg19) VCF-style: chr16-53679899-G-A.
Other names: c.2321C>T, p.Pro774Leu (NM_001127897.4, NM_001308334.3, NM_001330538.2); short protein forms P774L.
Identifiers: ClinVar variation 5000790 (VCV005000790.1).